The following is an entry in ClinVar:

ClinVar aggregate classification (germline): Uncertain significance (1 of 4 stars; one submission).

Conditions:
Early-infantile DEE. Also called: Ohtahara syndrome; Early infantile epileptic encephalopathy; Early infantile epileptic encephalopathy with suppression bursts. Identifiers: Orphanet 1934, MedGen C0393706, MONDO:0800491.

Submission:

Labcorp Genetics (formerly Invitae), Labcorp
Classification: Uncertain significance for Early-infantile DEE. Last evaluated: 2026-01-12. Review status: criteria provided, single submitter. Criteria: Invitae Variant Classification Sherloc (09022015). Collection method: clinical testing. Allele origin: germline.
Comment: This sequence change replaces glutamine, which is neutral and polar, with histidine, which is basic and polar, at codon 149 of the SPTAN1 protein (p.Gln149His). This variant is not present in population databases (gnomAD no frequency). This variant has not been reported in the literature in individuals affected with SPTAN1-related conditions. ClinVar contains an entry for this variant (Variation ID: 2755614). Invitae Evidence Modeling of protein sequence and biophysical properties (such as structural, functional, and spatial information, amino acid conservation, physicochemical variation, residue mobility, and thermodynamic stability) has been performed for this missense variant. However, the output from this modeling did not meet the statistical confidence thresholds required to predict the impact of this variant on SPTAN1 protein function. In summary, the available evidence is currently insufficient to determine the role of this variant in disease. Therefore, it has been classified as a Variant of Uncertain Significance.

NM_001130438.3(SPTAN1):c.447G>T (p.Gln149His)

Gene: SPTAN1 (spectrin alpha, non-erythrocytic 1; plus strand). Cytogenetic location: 9q34.11.
Variant type: single nucleotide variant.
Coding change: c.447G>T on transcript NM_001130438.3 (MANE Select); coding-DNA position 447, G replaced by T.
Protein change: p.Gln149His; replaces glutamine 149 with histidine.
Molecular consequence: missense variant.
Genome position (GRCh38, 1-based): chr9:128,574,758, G>T. VCF-style: chr9-128574758-G-T. GRCh37 (hg19) VCF-style: chr9-131337037-G-T.
Other names: c.447G>T, p.Gln149His (NM_001195532.2, NM_001363759.2, NM_001363765.2 and 5 more transcripts); c.483G>T, p.Gln161His (NM_001375312.2, NM_001375318.1); short protein forms Q161H, Q149H.
Identifiers: ClinVar variation 2755614 (VCV002755614.3), dbSNP rs2541012385, ClinGen allele CA375052578.